The following is an entry in ClinVar:

NM_001401501.2(MUC16):c.302-45G>A

Gene: MUC16 (mucin 16, cell surface associated; minus strand). Cytogenetic location: 19p13.2.
Variant type: single nucleotide variant.
Coding change: c.302-45G>A on transcript NM_001401501.2 (MANE Select); 45 bases into the intron before coding-DNA position 302, G replaced by A.
Molecular consequence: intron variant. On other transcripts: missense variant (2).
Genome position (GRCh38, 1-based): chr19:8,981,002, C>T on the plus strand (G>A on the coding strand, the complement: MUC16 is on the minus strand). VCF-style: chr19-8981002-C-T. GRCh37 (hg19) VCF-style: chr19-9091678-C-T.
Other names: c.137G>A, p.Gly46Asp (NM_001414687.1, NM_024690.2); c.728-45G>A (NM_001414686.1); short protein forms G46D.
Identifiers: ClinVar variation 3033415 (VCV003033415.2), dbSNP rs113490737, ClinGen allele CA9173664.

ClinVar aggregate classification (germline): Benign (0 of 4 stars; one submission).

Conditions:
MUC16-related disorder. Also called: MUC16-related condition.

Allele frequency attached by ClinVar (database versions not stated): gnomAD exomes 0.00048; ExAC 0.00113; 1000 Genomes Project 0.00419; gnomAD 0.00426; ESP Exome Variant Server 0.00447; 1000 Genomes Project 30x 0.00453; TOPMed 0.00467.

Submission:

PreventionGenetics, part of Exact Sciences
Classification: Benign for MUC16-related condition. Last evaluated: 2019-10-28. Review status: no assertion criteria provided. Collection method: clinical testing. Allele origin: germline.
Comment: This variant is classified as benign based on ACMG/AMP sequence variant interpretation guidelines (Richards et al. 2015 PMID: 25741868, with internal and published modifications).